The following is an entry in ClinVar:

ClinVar aggregate classification (germline): Pathogenic. Review status: criteria provided, multiple submitters, no conflicts (2 of 4 stars). 2 submissions from 2 submitters: Pathogenic (2). Last evaluated 2025-02-04.

Conditions:
Hereditary cancer-predisposing syndrome. Also called: Hereditary Cancer Syndrome; Tumor predisposition; Neoplastic Syndromes, Hereditary; Hereditary neoplastic syndrome. Identifiers: Orphanet 140162, MedGen C0027672, MeSH D009386, MONDO:0015356.
Breast-ovarian cancer, familial, susceptibility to, 2 (BROVCA2). Also called: BRCA2 Hereditary Breast and Ovarian Cancer. Identifiers: Orphanet 145, MedGen C2675520, MONDO:0012933, OMIM 612555. Disease mechanism: loss of function.

Submissions (2):

Myriad Genetics, Inc.
Classification: Pathogenic for Breast-ovarian cancer, familial, susceptibility to, 2. Last evaluated: 2025-02-04. Review status: criteria provided, single submitter. Criteria: Myriad Autosomal Dominant, Autosomal Recessive and X-Linked Classification Criteria (2023). Collection method: clinical testing. Allele origin: unknown.
Comment: This variant is considered pathogenic. This variant creates a frameshift predicted to result in premature protein truncation.

Ambry Genetics
Classification: Pathogenic for Hereditary cancer-predisposing syndrome. Last evaluated: 2023-12-08. Review status: criteria provided, single submitter. Criteria: Ambry Variant Classification Scheme 2023. Collection method: clinical testing. Allele origin: germline.
Comment: The c.6461_6462delAT pathogenic mutation, located in coding exon 10 of the BRCA2 gene, results from a deletion of two nucleotides at nucleotide positions 6461 to 6462, causing a translational frameshift with a predicted alternate stop codon (p.Y2154Sfs*21). This alteration is expected to result in loss of function by premature protein truncation or nonsense-mediated mRNA decay. As such, this alteration is interpreted as a disease-causing mutation.

NM_000059.4(BRCA2):c.6461_6462del (p.Tyr2154fs)

Gene: BRCA2 (BRCA2 DNA repair associated; plus strand). Cytogenetic location: 13q13.1.
Variant type: Microsatellite.
Coding change: c.6461_6462del on transcript NM_000059.4 (MANE Select); coding-DNA positions 6461 to 6462, 2 bases deleted (AT; older notation c.6461_6462delAT).
Protein change: p.Tyr2154fs; shifts the reading frame from tyrosine 2154.
Molecular consequence: frameshift variant. On other transcripts: non-coding transcript variant (1), intron variant (2).
Genome position (GRCh38, 1-based): chr13:32,340,816-32,340,817, AT deleted; deleting any 2 consecutive bases within chr13:32,340,814-32,340,817 gives the same sequence; the c. name uses the placement nearest the transcript's 3' end. VCF-style (leftmost placement, unchanged base first): chr13-32340813-CAT-C. GRCh37 (hg19) VCF-style: chr13-32914950-CAT-C.
Other names: c.6459_6460AT[1], p.Tyr2154Serfs (NM_000059.3); c.6461_6462del, p.Tyr2154fs (NM_001406719.1, NM_001406720.1); c.1910-3742_1910-3741del (NM_001406721.1); c.425-3742_425-3741del (NM_001406722.1); c.6461_6462delAT (NM_000059.3); short protein forms Y2154fs.
Identifiers: ClinVar variation 3228002 (VCV003228002.2), dbSNP rs2548533378, ClinGen allele CA2825002113.